The following is an entry in ClinVar:

NM_001374259.2(IL12RB2):c.1731_1732delinsTC (p.Arg577_Val578delinsSerLeu)

Gene: IL12RB2 (interleukin 12 receptor subunit beta 2; plus strand). Cytogenetic location: 1p31.3.
Variant type: Indel.
Coding change: c.1731_1732delinsTC on transcript NM_001374259.2 (MANE Select); coding-DNA positions 1731 to 1732, AG replaced by TC.
Protein change: p.Arg577_Val578delinsSerLeu.
Molecular consequence: missense variant. On other transcripts: non-coding transcript variant (2).
Genome position (GRCh38, 1-based): chr1:67,379,999-67,380,000, AG replaced by TC. VCF-style: chr1-67379999-AG-TC. GRCh37 (hg19) VCF-style: chr1-67845682-AG-TC.
Other names: c.1731_1732delinsTC, p.Arg577_Val578delinsSerLeu (NM_001258214.1, NM_001258216.1, NM_001319233.1 and 1 more transcripts); c.1473_1474delinsTC, p.Arg491_Val492delinsSerLeu (NM_001258215.1).
Identifiers: ClinVar variation 1409324 (VCV001409324.6), dbSNP rs2101066355, ClinGen allele CA2573132502.

ClinVar aggregate classification (germline): Uncertain significance (1 of 4 stars; one submission).

Submission:

Labcorp Genetics (formerly Invitae), Labcorp
Classification: Uncertain significance. Last evaluated: 2021-08-04. Review status: criteria provided, single submitter. Criteria: Invitae Variant Classification Sherloc (09022015). Collection method: clinical testing. Allele origin: germline.
Comment: The frequency data for this variant in the population databases is not available, as this variant may be reported as separate entries in the ExAC database. This variant, c.1731_1732delinsTC, is a complex sequence change that results in the deletion of 2 and insertion of 2 amino acid(s) in the IL12RB2 protein (p.Arg577_Val578delinsSerLeu). This variant has not been reported in the literature in individuals affected with IL12RB2-related conditions. In summary, the available evidence is currently insufficient to determine the role of this variant in disease. Therefore, it has been classified as a Variant of Uncertain Significance. Algorithms developed to predict the effect of sequence changes on RNA splicing suggest that this variant may create or strengthen a splice site. Experimental studies and prediction algorithms are not available or were not evaluated, and the functional significance of this variant is currently unknown.